The following is an entry in ClinVar:

NM_153676.4(USH1C):c.658C>G (p.Arg220Gly)

Gene: USH1C (USH1 protein network component harmonin; minus strand). Cytogenetic location: 11p15.1.
Variant type: single nucleotide variant.
Coding change: c.658C>G on transcript NM_153676.4 (MANE Select); coding-DNA position 658, C replaced by G.
Protein change: p.Arg220Gly; replaces arginine 220 with glycine.
Molecular consequence: missense variant. On other transcripts: non-coding transcript variant (1).
Genome position (GRCh38, 1-based): chr11:17,526,363, G>C on the plus strand (C>G on the coding strand, the complement: USH1C is on the minus strand). VCF-style: chr11-17526363-G-C. GRCh37 (hg19) VCF-style: chr11-17547910-G-C.
Other names: c.658C>G, p.Arg220Gly (NM_001297764.2, NM_005709.4); short protein forms R220G.
Identifiers: ClinVar variation 1064893 (VCV001064893.5), dbSNP rs766327614, ClinGen allele CA379793249.
Genomic context (GRCh38, chr11:17,526,363, plus strand): 5'-GGTGCACTGGCCACGAATGACCCCAGGGCATGCCTGCCACCCACCTGCAGCCAAGGCCTC[G>C]GGAGCCTACCAGGCTGATGAAGACCTTCTTCTCCTTGTTTTCCCGATTTCCAGGGGAGCC-3'
Protein context (NP_710142.1, residues 210-230): KKVFISLVGS[Arg220Gly]GLGCSISSGP

ClinVar aggregate classification (germline): Uncertain significance. Review status: criteria provided, multiple submitters, no conflicts (2 of 4 stars). 3 submissions from 3 submitters: Uncertain significance (2). 1 of the submissions does not count toward it. Last evaluated 2022-03-11.

Conditions:
USH1C-related disorder. Also called: USH1C-related condition.
Hearing impairment. Also called: Impaired Hearing. Identifiers: MedGen C1384666, MONDO:0005365, HP:0000365.

gnomAD v4.1: 3 of 1,613,778 alleles (0.00019%); highest among the groups gnomAD compares: Middle Eastern, 0.049%; no homozygotes.

Submissions (3):

Blueprint Genetics
Classification: Uncertain significance. Last evaluated: 2022-03-11. Review status: criteria provided, single submitter. Criteria: ACMG Guidelines, 2015. Collection method: clinical testing. Allele origin: germline.

Department of Otolaryngology – Head & Neck Surgery, Cochlear Implant Center
Classification: Uncertain significance for Hearing impairment. Last evaluated: 2021-04-12. Review status: criteria provided, single submitter. Criteria: ClinGen HL ACMG Specifications v1. Collection method: clinical testing. Allele origin: germline. Affected: yes.
Comment: PM2_Moderate, BP4_Supporting

PreventionGenetics, part of Exact Sciences
Classification: Uncertain significance for USH1C-related condition. Last evaluated: 2024-09-11. Review status: no assertion criteria provided. Collection method: clinical testing. Allele origin: germline. Not counted in ClinVar's aggregate classification.
Comment: The USH1C c.658C>G variant is predicted to result in the amino acid substitution p.Arg220Gly. This variant has been reported in an individual with Usher syndrome 1c along with a second variant in USH1C (Bahena et al 2022. PubMed ID: 34148116). This variant has not been reported in a large population database, indicating this variant is rare. At this time, the clinical significance of this variant is uncertain due to the absence of conclusive functional and genetic evidence.